The following is an entry in ClinVar:

NM_144670.6(A2ML1):c.1780G>A (p.Val594Met)

Gene: A2ML1 (alpha-2-macroglobulin like 1; plus strand). Cytogenetic location: 12p13.31.
Variant type: single nucleotide variant.
Coding change: c.1780G>A on transcript NM_144670.6 (MANE Select); coding-DNA position 1780, G replaced by A.
Protein change: p.Val594Met; replaces valine 594 with methionine.
Molecular consequence: missense variant.
Genome position (GRCh38, 1-based): chr12:8,847,645, G>A. VCF-style: chr12-8847645-G-A. GRCh37 (hg19) VCF-style: chr12-9000241-G-A.
Other names: c.1780G>A (NM_144670.5); c.307G>A, p.Val103Met (NM_001282424.3); short protein forms V594M, V103M.
Identifiers: ClinVar variation 798260 (VCV000798260.11), dbSNP rs201527641, ClinGen allele CA6435815.

ClinVar aggregate classification (germline): Likely benign. Review status: criteria provided, multiple submitters, no conflicts (2 of 4 stars). 2 submissions from 2 submitters: Likely benign (2). Last evaluated 2025-12-19.

Allele frequency attached by ClinVar (database versions not stated): gnomAD exomes 0.00002 and 0.00004; ExAC 0.00007; TOPMed 0.00031; gnomAD 0.00035 and 0.00038; ESP Exome Variant Server 0.00041.
gnomAD v4.1: 79 of 1,613,738 alleles (0.0049%); highest among the groups gnomAD compares: African/African-American, 0.1%; no homozygotes.

Submissions (2):

Labcorp Genetics (formerly Invitae), Labcorp
Classification: Likely benign. Last evaluated: 2025-12-19. Review status: criteria provided, single submitter. Criteria: Invitae Variant Classification Sherloc (09022015). Collection method: clinical testing. Allele origin: germline.

Women's Health and Genetics/Laboratory Corporation of America, LabCorp
Classification: Likely benign. Last evaluated: 2023-06-26. Review status: criteria provided, single submitter. Criteria: LabCorp Variant Classification Summary - May 2015. Collection method: clinical testing. Allele origin: germline.
Comment: Variant summary: A2ML1 c.1780G>A (p.Val594Met) results in a conservative amino acid change located in the Alpha-2-macroglobulin, bait region domain (IPR011625) of the encoded protein sequence. Four of five in-silico tools predict a damaging effect of the variant on protein function. The variant allele was found at a frequency of 4.4e-05 in 248916 control chromosomes (gnomAD). The observed variant frequency is approximately 11 fold of the estimated maximal expected allele frequency for a pathogenic variant in A2ML1 causing Noonan Syndrome phenotype (4e-06), strongly suggesting that the variant is benign. To our knowledge, no occurrence of c.1780G>A in individuals affected with Noonan Syndrome and no experimental evidence demonstrating its impact on protein function have been reported. One submitter has cited clinical-significance assessments for this variant to ClinVar after 2014 and has classified the variant as likely benign. Based on the evidence outlined above, the variant was classified as likely benign.